The following is an entry in ClinVar:

NM_032634.4(PIGO):c.1392delinsGA (p.Ile464fs)

Gene: PIGO (phosphatidylinositol glycan anchor biosynthesis class O; minus strand). Cytogenetic location: 9p13.3.
Variant type: Indel.
Coding change: c.1392delinsGA on transcript NM_032634.4 (MANE Select); coding-DNA position 1392, C replaced by GA.
Protein change: p.Ile464fs; shifts the reading frame from isoleucine 464.
Molecular consequence: frameshift variant. On other transcripts: intron variant (2).
Genome position (GRCh38, 1-based): chr9:35,092,495, G replaced by TC on the plus strand (C replaced by GA on the coding strand, the reverse complement: PIGO is on the minus strand). VCF-style: chr9-35092495-G-TC. GRCh37 (hg19) VCF-style: chr9-35092492-G-TC.
Other names: c.1344+48delinsGA (NM_152850.4, NM_001201484.2); short protein forms I464fs.
Identifiers: ClinVar variation 690299 (VCV000690299.2), dbSNP rs1587167234, ClinGen allele CA915947478.
Genomic context (GRCh38, chr9:35,092,495, plus strand): 5'-CAGGAGTAGAGGGCAGAATGGAAAGCCTGGGGATATTGCCCACTGAGATGCCAGCAGGCA[G>TC]ATAAAGCAGGAAGCAGCCAAGAGAGCAGTACCCCCCGCCATGCGGACCAGAGAGAAACGA-3'

ClinVar aggregate classification (germline): Likely pathogenic (1 of 4 stars; one submission).

Conditions:
Hyperphosphatasia with impaired intellectual development syndrome 2. Also called: Hyperphosphatasia with intellectual disability syndrome 2; GLYCOSYLPHOSPHATIDYLINOSITOL BIOSYNTHESIS DEFECT 6. Identifiers: Orphanet 247262, MedGen C3553637, MONDO:0013882, OMIM 614749.

Submission:

HudsonAlpha Institute for Biotechnology
Classification: Likely pathogenic for Hyperphosphatasia with impaired intellectual development syndrome 2. Last evaluated: 2018-07-12. Review status: criteria provided, single submitter. Criteria: ACMG Guidelines, 2015. Collection method: research. Allele origin: paternal. Affected: yes. Observed: 1 variant allele. Study: CSER-SouthSeq.
Comment: ACMG codes: PVS1, PM2